The following is an entry in ClinVar:

ClinVar aggregate classification (germline): Conflicting classifications of pathogenicity. Review status: criteria provided, conflicting classifications (1 of 4 stars). 5 submissions from 5 submitters: Uncertain significance (1); Likely benign (4). Last evaluated 2026-04-24.

Conditions:
Charcot-Marie-Tooth disease type 4. Also called: Charcot-Marie-Tooth disease, type IV; Charcot-Marie-Tooth, Type 4. Identifiers: Orphanet 64749, MedGen C4082197, MONDO:0018995.
Charcot-Marie-Tooth disease. Also called: Charcot-Marie-Tooth Hereditary Neuropathy; Charcot-Marie-Tooth Neuropathy. Identifiers: Orphanet 166, MedGen C0007959, MONDO:0015626.
Inborn genetic diseases. Identifiers: MedGen C0950123, MeSH D030342.
PRX-related disorder. Also called: PRX-Related Disorders; PRX-related condition.

Submissions (5):

PreventionGenetics, part of Exact Sciences
Classification: Likely benign for PRX-related condition. Last evaluated: 2026-04-24. Review status: criteria provided, single submitter. Criteria: ACMG Guidelines, 2015. Collection method: clinical testing. Allele origin: germline.
Comment: This variant is classified as likely benign based on ACMG/AMP sequence variant interpretation guidelines (Richards et al. 2015 PMID: 25741868, with internal and published modifications).

Labcorp Genetics (formerly Invitae), Labcorp
Classification: Likely benign for Charcot-Marie-Tooth disease type 4. Last evaluated: 2025-08-13. Review status: criteria provided, single submitter. Criteria: Invitae Variant Classification Sherloc (09022015). Collection method: clinical testing. Allele origin: germline.

GeneDx
Classification: Uncertain significance. Last evaluated: 2025-03-05. Review status: criteria provided, single submitter. Criteria: GeneDx Variant Classification Process June 2021. Collection method: clinical testing. Allele origin: germline. Affected: yes.
Comment: In-frame duplication of 1 amino acid in a repetitive region with no known function; Has not been previously published as pathogenic or benign to our knowledge

Ambry Genetics
Classification: Likely benign for Inborn genetic diseases. Last evaluated: 2021-09-13. Review status: criteria provided, single submitter. Criteria: Ambry Variant Classification Scheme 2023. Collection method: clinical testing. Allele origin: germline.

Molecular Genetics Laboratory, London Health Sciences Centre
Classification: Likely benign for Charcot-Marie-Tooth disease. Review status: criteria provided, single submitter. Criteria: ACMG Guidelines, 2015. Collection method: clinical testing. Allele origin: germline. Affected: yes.

NM_181882.3(PRX):c.4059GGA[8] (p.Glu1361dup)

Gene: PRX (periaxin; minus strand). Cytogenetic location: 19q13.2.
Variant type: Microsatellite.
Coding change: c.4059GGA[8] on transcript NM_181882.3 (MANE Select); eight copies in a row of the 3-base unit GGA starting at c.4059; the reference has seven copies in a row; one copy, 3 bases duplicated; also written c.4077_4079dup.
Protein change: p.Glu1361dup; duplicates glutamic acid 1361.
Molecular consequence: inframe insertion. On other transcripts: 3 prime UTR variant (1).
Genome position (GRCh38, 1-based): chr19:40,394,273-40,394,275, TCC duplicated on the plus strand (GGA on the coding strand, the reverse complement: PRX is on the minus strand); duplicating any 3 consecutive bases within chr19:40,394,273-40,394,295 gives the same sequence; the position shown is the placement nearest the transcript's 3' end. VCF-style (leftmost placement, unchanged base first): chr19-40394272-T-TTCC. GRCh37 (hg19) VCF-style: chr19-40900179-T-TTCC.
Other names: c.*4264GGA[8] (NM_020956.2); c.4077_4079dup (NM_181882.2); c.*4282_*4284dupGGA (NM_020956.2).
Identifiers: ClinVar variation 699561 (VCV000699561.17), dbSNP rs139624657, ClinGen allele CA9443710.